The following is an entry in ClinVar:

NM_138420.4(AHNAK2):c.6654C>T (p.Asp2218=)

Gene: AHNAK2 (AHNAK nucleoprotein 2; minus strand). Cytogenetic location: 14q32.33.
Variant type: single nucleotide variant.
Coding change: c.6654C>T on transcript NM_138420.4 (MANE Select); coding-DNA position 6654, C replaced by T.
Protein change: p.Asp2218=; no amino-acid change (aspartic acid 2218 retained).
Molecular consequence: synonymous variant.
Genome position (GRCh38, 1-based): chr14:104,948,797, G>A on the plus strand (C>T on the coding strand, the complement: AHNAK2 is on the minus strand). VCF-style: chr14-104948797-G-A. GRCh37 (hg19) VCF-style: chr14-105415134-G-A.
Other names: c.6354C>T, p.Asp2118= (NM_001350929.2).
Identifiers: ClinVar variation 4872737 (VCV004872737.2).
Genomic context (GRCh38, chr14:104,948,797, plus strand): 5'-CTTGGGCAGGTGCCCTTTGAGGCCGACTTCCTCGGGCACAGGGCCCTCCAGGAGTTTCAC[G>A]TCCACCTGGCCAGCCTGGACCTTCACGTCGGCGGAAAGGGGCTGAATGCTGAGGTCAGTG-3'
Protein context (NP_612429.2, residues 2208-2228): ADVKVQAGQV[Asp2218=]VKLLEGPVPE

ClinVar aggregate classification (germline): Likely benign (1 of 4 stars; one submission).

gnomAD v4.1: 139 of 1,609,302 alleles (0.0086%); highest among the groups gnomAD compares: Middle Eastern, 0.17%; 3 homozygotes.

Submission:

CeGaT Center for Human Genetics Tuebingen
Classification: Likely benign. Last evaluated: 2026-06-01. Review status: criteria provided, single submitter. Criteria: CeGaT Center For Human Genetics Tuebingen Variant Classification Criteria Version 2. Collection method: clinical testing. Allele origin: germline. Affected: yes. Observed: 1 variant allele.
Comment: AHNAK2: BP4, BP7